The following is an entry in ClinVar:

NM_001903.5(CTNNA1):c.2292A>C (p.Ala764=)

Gene: CTNNA1 (catenin alpha 1; plus strand). Cytogenetic location: 5q31.2.
Variant type: single nucleotide variant.
Coding change: c.2292A>C on transcript NM_001903.5 (MANE Select); coding-DNA position 2292, A replaced by C.
Protein change: p.Ala764=; no amino-acid change (alanine 764 retained).
Molecular consequence: synonymous variant.
Genome position (GRCh38, 1-based): chr5:138,930,929, A>C. VCF-style: chr5-138930929-A-C. GRCh37 (hg19) VCF-style: chr5-138266618-A-C.
Other names: c.2292A>C, p.Ala764= (NM_001290307.3, NM_001323982.2, NM_001323983.1 and 2 more transcripts); c.1983A>C, p.Ala661= (NM_001290309.3); c.1923A>C, p.Ala641= (NM_001290310.3); c.1182A>C, p.Ala394= (NM_001290312.1, NM_001323987.1, NM_001323988.1 and 17 more transcripts); c.2199A>C, p.Ala733= (NM_001323986.2); c.843A>C, p.Ala281= (NM_001324006.1, NM_001324007.1, NM_001324008.1 and 2 more transcripts); c.1089A>C, p.Ala363= (NM_001324011.1); c.939A>C, p.Ala313= (NM_001324012.1, NM_001324013.1); and 1 more.
Identifiers: ClinVar variation 1528710 (VCV001528710.10), dbSNP rs2150337556, ClinGen allele CA446598158.

ClinVar aggregate classification (germline): Benign/Likely benign. Review status: criteria provided, multiple submitters, no conflicts (2 of 4 stars). 3 submissions from 3 submitters: Benign (1); Likely benign (2). Last evaluated 2024-10-15.

Conditions:
Hereditary diffuse gastric adenocarcinoma (HDGC). Also called: DIFFUSE GASTRIC AND LOBULAR BREAST CANCER SYNDROME. Identifiers: Orphanet 26106, MedGen C1708349, MONDO:0007648, OMIM 137215.
Hereditary cancer-predisposing syndrome. Also called: Tumor predisposition; Hereditary neoplastic syndrome; Neoplastic Syndromes, Hereditary; Hereditary Cancer Syndrome. Identifiers: Orphanet 140162, MedGen C0027672, MeSH D009386, MONDO:0015356.

Submissions (3):

Myriad Genetics, Inc.
Classification: Benign for Hereditary diffuse gastric adenocarcinoma. Last evaluated: 2024-10-15. Review status: criteria provided, single submitter. Criteria: Myriad Autosomal Dominant, Autosomal Recessive and X-Linked Classification Criteria (2023). Collection method: clinical testing. Allele origin: unknown.
Comment: This variant is considered benign. This variant is a silent/synonymous amino acid change and it is not expected to impact splicing.

Ambry Genetics
Classification: Likely benign for Hereditary cancer-predisposing syndrome. Last evaluated: 2023-09-20. Review status: criteria provided, single submitter. Criteria: Ambry Variant Classification Scheme 2023. Collection method: clinical testing. Allele origin: germline.

Labcorp Genetics (formerly Invitae), Labcorp
Classification: Likely benign. Last evaluated: 2021-07-16. Review status: criteria provided, single submitter. Criteria: Invitae Variant Classification Sherloc (09022015). Collection method: clinical testing. Allele origin: germline.